The following is an entry in ClinVar:

ClinVar aggregate classification (germline): Uncertain significance (1 of 4 stars; one submission).

Submission:

GeneDx
Classification: Uncertain significance. Last evaluated: 2024-04-15. Review status: criteria provided, single submitter. Criteria: GeneDx Variant Classification Process June 2021. Collection method: clinical testing. Allele origin: germline. Affected: yes.
Comment: Not observed at significant frequency in large population cohorts (gnomAD); In silico analysis supports that this missense variant has a deleterious effect on protein structure/function; In addition, in silico splice predictors suggest this variant may lead to abnormal gene splicing. In the absence of RNA/functional studies, the actual effect of this sequence change is unknown.; Has not been previously published as pathogenic or benign to our knowledge; This variant is associated with the following publications: (PMID: 27839871)

NM_000834.5(GRIN2B):c.1485T>A (p.Asn495Lys)

Gene: GRIN2B (glutamate ionotropic receptor NMDA type subunit 2B; minus strand). Cytogenetic location: 12p13.1.
Variant type: single nucleotide variant.
Coding change: c.1485T>A on transcript NM_000834.5 (MANE Select); coding-DNA position 1485, T replaced by A.
Protein change: p.Asn495Lys; replaces asparagine 495 with lysine.
Molecular consequence: missense variant.
Genome position (GRCh38, 1-based): chr12:13,615,508, A>T on the plus strand (T>A on the coding strand, the complement: GRIN2B is on the minus strand). VCF-style: chr12-13615508-A-T. GRCh37 (hg19) VCF-style: chr12-13768442-A-T.
Other names: c.1485T>A, p.Asn495Lys (NM_001413992.1); short protein forms N495K.
Identifiers: ClinVar variation 3372362 (VCV003372362.1).